The following is an entry in ClinVar:

ClinVar aggregate classification (germline): Uncertain significance. Review status: criteria provided, multiple submitters, no conflicts (2 of 4 stars). 3 submissions from 3 submitters: Uncertain significance (3). Last evaluated 2024-07-22.

Conditions:
Inborn genetic diseases. Identifiers: MedGen C0950123, MeSH D030342.

Allele frequency attached by ClinVar (database versions not stated): ExAC 0.00001; gnomAD 0.00001; TOPMed 0.00001; gnomAD exomes 0.00002.
gnomAD v4.1: 27 of 1,614,220 alleles (0.0017%); highest among the groups gnomAD compares: East Asian, 0.0022%; no homozygotes.

Submissions (3):

Labcorp Genetics (formerly Invitae), Labcorp
Classification: Uncertain significance. Last evaluated: 2024-07-22. Review status: criteria provided, single submitter. Criteria: Invitae Variant Classification Sherloc (09022015). Collection method: clinical testing. Allele origin: germline.
Comment: This sequence change replaces glutamic acid, which is acidic and polar, with lysine, which is basic and polar, at codon 918 of the TRRAP protein (p.Glu918Lys). This variant is present in population databases (rs782412390, gnomAD 0.003%). This variant has not been reported in the literature in individuals affected with TRRAP-related conditions. ClinVar contains an entry for this variant (Variation ID: 2372576). Advanced modeling of protein sequence and biophysical properties (such as structural, functional, and spatial information, amino acid conservation, physicochemical variation, residue mobility, and thermodynamic stability) performed at Invitae indicates that this missense variant is not expected to disrupt TRRAP protein function with a negative predictive value of 80%. In summary, the available evidence is currently insufficient to determine the role of this variant in disease. Therefore, it has been classified as a Variant of Uncertain Significance.

CeGaT Center for Human Genetics Tuebingen
Classification: Uncertain significance. Last evaluated: 2023-03-01. Review status: criteria provided, single submitter. Criteria: CeGaT Center For Human Genetics Tuebingen Variant Classification Criteria Version 2. Collection method: clinical testing. Allele origin: germline. Affected: yes. Observed: 1 variant allele.

Ambry Genetics
Classification: Uncertain significance for Inborn genetic diseases. Last evaluated: 2022-01-05. Review status: criteria provided, single submitter. Criteria: Ambry Variant Classification Scheme 2023. Collection method: clinical testing. Allele origin: germline.

NM_001375524.1(TRRAP):c.2752G>A (p.Glu918Lys)

Gene: TRRAP (transformation/transcription domain associated protein; plus strand). Cytogenetic location: 7q22.1.
Variant type: single nucleotide variant.
Coding change: c.2752G>A on transcript NM_001375524.1 (MANE Select); coding-DNA position 2752, G replaced by A.
Protein change: p.Glu918Lys; replaces glutamic acid 918 with lysine.
Molecular consequence: missense variant.
Genome position (GRCh38, 1-based): chr7:98,921,882, G>A. VCF-style: chr7-98921882-G-A. GRCh37 (hg19) VCF-style: chr7-98519505-G-A.
Other names: c.2752G>A, p.Glu918Lys (NM_001244580.2, NM_003496.4); short protein forms E918K.
Identifiers: ClinVar variation 2372576 (VCV002372576.28), dbSNP rs782412390, ClinGen allele CA4359829.